The following is an entry in ClinVar:

NM_001367624.2(ZNF469):c.8944G>A (p.Asp2982Asn)

Gene: ZNF469 (zinc finger protein 469; plus strand). Cytogenetic location: 16q24.2.
Variant type: single nucleotide variant.
Coding change: c.8944G>A on transcript NM_001367624.2 (MANE Select); coding-DNA position 8944, G replaced by A.
Protein change: p.Asp2982Asn; replaces aspartic acid 2982 with asparagine.
Molecular consequence: missense variant.
Genome position (GRCh38, 1-based): chr16:88,436,414, G>A. VCF-style: chr16-88436414-G-A. GRCh37 (hg19) VCF-style: chr16-88502822-G-A.
Other names: NM_001127464.1:c.8860G>A; short protein forms D2982N.
Identifiers: ClinVar variation 1764928 (VCV001764928.5), dbSNP rs1006857833, ClinGen allele CA397119845.
Genomic context (GRCh38, chr16:88,436,414, plus strand): 5'-GCCCTGGAGCCCAGCAGGGAAGCTGGTGCAGAGAAGCTGCCCTCCCACTGCCCCGAGGAC[G>A]ATCGGCCGGAGGCCATTCCTGAGCTGCACATGGTCCCAGCGGCTTGGCGAGGCCTGGAGA-3'
Protein context (NP_001354553.1, residues 2972-2992): EKLPSHCPED[Asp2982Asn]RPEAIPELHM

ClinVar aggregate classification (germline): Uncertain significance. Review status: criteria provided, multiple submitters, no conflicts (2 of 4 stars). 2 submissions from 2 submitters: Uncertain significance (2). Last evaluated 2024-09-27.

Conditions:
Cardiovascular phenotype. Identifiers: MedGen CN230736.

gnomAD v4.1: 11 of 1,549,136 alleles (0.00071%); highest among the groups gnomAD compares: Admixed American, 0.002%; no homozygotes.

Submissions (2):

Ambry Genetics
Classification: Uncertain significance for Cardiovascular phenotype. Last evaluated: 2024-09-27. Review status: criteria provided, single submitter. Criteria: Ambry Variant Classification Scheme 2023. Collection method: clinical testing. Allele origin: germline.

Labcorp Genetics (formerly Invitae), Labcorp
Classification: Uncertain significance. Last evaluated: 2021-09-18. Review status: criteria provided, single submitter. Criteria: Invitae Variant Classification Sherloc (09022015). Collection method: clinical testing. Allele origin: germline.
Comment: This sequence change replaces aspartic acid with asparagine at codon 2954 of the ZNF469 protein (p.Asp2954Asn). The aspartic acid residue is weakly conserved and there is a small physicochemical difference between aspartic acid and asparagine. The frequency data for this variant in the population databases is considered unreliable, as metrics indicate insufficient coverage at this position in the ExAC database. This variant has not been reported in the literature in individuals affected with ZNF469-related conditions. Algorithms developed to predict the effect of missense changes on protein structure and function output the following: SIFT: "Tolerated"; PolyPhen-2: "Benign"; Align-GVGD: "Class C0". The asparagine amino acid residue is found in multiple mammalian species, which suggests that this missense change does not adversely affect protein function. In summary, the available evidence is currently insufficient to determine the role of this variant in disease. Therefore, it has been classified as a Variant of Uncertain Significance.